The following is an entry in ClinVar:

ClinVar aggregate classification (germline): Conflicting classifications of pathogenicity. Review status: criteria provided, conflicting classifications (1 of 4 stars). 5 submissions from 5 submitters: Uncertain significance (1); Likely benign (4). Last evaluated 2025-11-01.

Conditions:
Cardiovascular phenotype. Identifiers: MedGen CN230736.
Glycogen storage disease, type II (IOPD). Also called: POMPE DISEASE, INFANTILE-ONSET; GLYCOGEN STORAGE DISEASE II, INFANTILE-ONSET; ACID ALPHA-GLUCOSIDASE DEFICIENCY, INFANTILE-ONSET; GAA DEFICIENCY, INFANTILE-ONSET; ACID MALTASE DEFICIENCY, INFANTILE-ONSET; Glucosidase acid-1,4-alpha deficiency. Identifiers: Orphanet 365, MedGen C0017921, MONDO:0009290, OMIM 232300.

Allele frequency attached by ClinVar (database versions not stated): ExAC 0.00001; gnomAD exomes 0.00001; TOPMed 0.00002.
gnomAD v4.1: 17 of 1,611,820 alleles (0.0011%); highest among the groups gnomAD compares: East Asian, 0.0022%; no homozygotes.

Submissions (5):

CeGaT Center for Human Genetics Tuebingen
Classification: Likely benign. Last evaluated: 2025-11-01. Review status: criteria provided, single submitter. Criteria: CeGaT Center For Human Genetics Tuebingen Variant Classification Criteria Version 2. Collection method: clinical testing. Allele origin: germline. Affected: yes. Observed: 1 variant allele.
Comment: GAA: BP4, BP7

Labcorp Genetics (formerly Invitae), Labcorp
Classification: Likely benign for Glycogen storage disease, type II. Last evaluated: 2025-09-03. Review status: criteria provided, single submitter. Criteria: Invitae Variant Classification Sherloc (09022015). Collection method: clinical testing. Allele origin: germline.

Revvity Omics, Revvity
Classification: Uncertain significance. Last evaluated: 2024-05-06. Review status: criteria provided, single submitter. Criteria: ACMG Guidelines, 2015. Collection method: clinical testing. Allele origin: germline.

Ambry Genetics
Classification: Likely benign for Cardiovascular phenotype. Last evaluated: 2023-03-21. Review status: criteria provided, single submitter. Criteria: Ambry Variant Classification Scheme 2023. Collection method: clinical testing. Allele origin: germline.

PreventionGenetics, part of Exact Sciences
Classification: Likely benign. Review status: criteria provided, single submitter. Criteria: ACMG Guidelines, 2015. Collection method: clinical testing. Allele origin: germline.

NM_000152.5(GAA):c.876C>T (p.Tyr292=)

Gene: GAA (alpha glucosidase; plus strand). Cytogenetic location: 17q25.3.
Variant type: single nucleotide variant.
Coding change: c.876C>T on transcript NM_000152.5 (MANE Select); coding-DNA position 876, C replaced by T.
Protein change: p.Tyr292=; no amino-acid change (tyrosine 292 retained).
Molecular consequence: synonymous variant.
Genome position (GRCh38, 1-based): chr17:80,107,817, C>T. VCF-style: chr17-80107817-C-T. GRCh37 (hg19) VCF-style: chr17-78081616-C-T.
Other names: c.876C>T (LRG_673t1); c.876C>T, p.Tyr292= (NM_001079803.3, NM_001079804.3).
Identifiers: ClinVar variation 255368 (VCV000255368.23), dbSNP rs763216519, ClinGen allele CA8815080.